The following is an entry in ClinVar:

ClinVar aggregate classification (germline): Likely pathogenic (1 of 4 stars; one submission).

Conditions:
Hypohidrotic X-linked ectodermal dysplasia (XHED). Also called: ECTODERMAL DYSPLASIA, HYPOHIDROTIC, 1; CST SYNDROME; Christ-Siemans-Touraine syndrome; ECTODERMAL DYSPLASIA 1; Ectodermal Dysplasia 1, Anhidrotic; Anhidrotic ectodermal dysplasia X-linked. Identifiers: Orphanet 181, Orphanet 238468, MedGen C0162359, MONDO:0010585, OMIM 305100.

Submission:

Natera, Inc.
Classification: Likely pathogenic for Christ-Siemens-Touraine syndrome. Last evaluated: 2024-04-29. Review status: criteria provided, single submitter. Criteria: Natera Variant Classification Schema (03/2026). Collection method: clinical testing. Allele origin: germline.
Comment: The c.886_899delCTGGTGGACGGCACinsG variant in EDA is a frameshift variant predicted to shift the reading frame beginning at codon 296 and leads to a stop codon 8 codons downstream. This variant is expected to result in nonsense mediated decay, truncation, or a dysfunctional protein product. This variant is rare in the general population with a frequency below the threshold expected for the associated phenotype(s). Given the available evidence, this variant is classified as Likely Pathogenic.

NM_001399.5(EDA):c.886_899delinsG (p.Leu296fs)

Gene: EDA (ectodysplasin A; plus strand). Cytogenetic location: Xq13.1.
Variant type: Indel.
Coding change: c.886_899delinsG on transcript NM_001399.5 (MANE Select); coding-DNA positions 886 to 899, CTGGTGGACGGCAC replaced by G.
Protein change: p.Leu296fs; shifts the reading frame from leucine 296.
Molecular consequence: frameshift variant. On other transcripts: intron variant (1).
Genome position (GRCh38, 1-based): chrX:70,033,490-70,033,503, CTGGTGGACGGCAC replaced by G. VCF-style: chrX-70033490-CTGGTGGACGGCAC-G. GRCh37 (hg19) VCF-style: chrX-69253340-CTGGTGGACGGCAC-G.
Other names: c.886_899delinsG, p.Leu296fs (NM_001005609.2); c.877_890delinsG, p.Leu293fs (NM_001005612.3, NM_001440761.1); c.882+4_882+17delinsG (NM_001440762.1); short protein forms L293fs, L296fs.
Identifiers: ClinVar variation 4814926 (VCV004814926.1).